The following is an entry in ClinVar:

NM_170606.3(KMT2C):c.7743T>G (p.Val2581=)

Gene: KMT2C (lysine methyltransferase 2C; minus strand). Cytogenetic location: 7q36.1.
Variant type: single nucleotide variant.
Coding change: c.7743T>G on transcript NM_170606.3 (MANE Select); coding-DNA position 7743, T replaced by G.
Protein change: p.Val2581=; no amino-acid change (valine 2581 retained).
Molecular consequence: synonymous variant.
Genome position (GRCh38, 1-based): chr7:152,177,710, A>C on the plus strand (T>G on the coding strand, the complement: KMT2C is on the minus strand). VCF-style: chr7-152177710-A-C. GRCh37 (hg19) VCF-style: chr7-151874795-A-C.
Identifiers: ClinVar variation 2658208 (VCV002658208.24), dbSNP rs2129115283, ClinGen allele CA458886880.

ClinVar aggregate classification (germline): Likely benign (1 of 4 stars; one submission).

Submission:

CeGaT Center for Human Genetics Tuebingen
Classification: Likely benign. Last evaluated: 2022-05-01. Review status: criteria provided, single submitter. Criteria: CeGaT Center For Human Genetics Tuebingen Variant Classification Criteria Version 2. Collection method: clinical testing. Allele origin: germline. Affected: yes. Observed: 1 variant allele.
Comment: KMT2C: PM2:Supporting, BP4, BP7